The following is an entry in ClinVar:

ClinVar aggregate classification (germline): Likely benign (1 of 4 stars; one submission).

Submission:

GeneDx
Classification: Likely benign. Last evaluated: 2017-07-07. Review status: criteria provided, single submitter. Criteria: GeneDx Variant Classification (06012015). Collection method: clinical testing. Allele origin: germline. Affected: yes.
Comment: This variant is considered likely benign or benign based on one or more of the following criteria: it is a conservative change, it occurs at a poorly conserved position in the protein, it is predicted to be benign by multiple in silico algorithms, and/or has population frequency not consistent with disease.

NM_007194.4(CHEK2):c.792+18G>C

Gene: CHEK2 (checkpoint kinase 2; minus strand). Cytogenetic location: 22q12.1.
Variant type: single nucleotide variant.
Coding change: c.792+18G>C on transcript NM_007194.4 (MANE Select); 18 bases into the intron after coding-DNA position 792, G replaced by C.
Molecular consequence: intron variant.
Genome position (GRCh38, 1-based): chr22:28,711,891, C>G on the plus strand (G>C on the coding strand, the complement: CHEK2 is on the minus strand). VCF-style: chr22-28711891-C-G. GRCh37 (hg19) VCF-style: chr22-29107879-C-G.
Other names: c.129+18G>C (NM_001437942.1, NM_001257387.3); c.591+18G>C (NM_001349956.3); c.792+18G>C (NM_145862.3); c.885+18G>C (NM_001438295.1, NM_001438293.1); c.921+18G>C (NM_001438294.1, NM_001005735.3).
Identifiers: ClinVar variation 510756 (VCV000510756.1), dbSNP rs1385038498, ClinGen allele CA658799523.